The following is an entry in ClinVar:

ClinVar aggregate classification (germline): Likely benign (0 of 4 stars; one submission).

Conditions:
MC3R-related disorder. Also called: MC3R-related condition.

Submission:

PreventionGenetics, part of Exact Sciences
Classification: Likely benign for MC3R-related condition. Last evaluated: 2022-10-05. Review status: no assertion criteria provided. Collection method: clinical testing. Allele origin: germline.
Comment: This variant is classified as likely benign based on ACMG/AMP sequence variant interpretation guidelines (Richards et al. 2015 PMID: 25741868, with internal and published modifications).

NM_019888.3(MC3R):c.954C>T (p.Asn318=)

Gene: MC3R (melanocortin 3 receptor; plus strand). Cytogenetic location: 20q13.2.
Variant type: single nucleotide variant.
Coding change: c.954C>T on transcript NM_019888.3 (MANE Select); coding-DNA position 954, C replaced by T.
Protein change: p.Asn318=; no amino-acid change (asparagine 318 retained).
Molecular consequence: synonymous variant.
Genome position (GRCh38, 1-based): chr20:56,249,797, C>T. VCF-style: chr20-56249797-C-T. GRCh37 (hg19) VCF-style: chr20-54824853-C-T.
Identifiers: ClinVar variation 3357670 (VCV003357670.1).
Genomic context (GRCh38, chr20:56,249,797, plus strand): 5'-CTACGCTTTCCGGAGCCTGGAATTGCGCAACACCTTTAGGGAGATTCTCTGTGGCTGCAA[C>T]GGCATGAACTTGGGATAGGATGCAGGGCCATGGAAATGATCATCAGTCGGGTCACTTTTG-3'
Protein context (NP_063941.3, residues 308-323): NTFREILCGC[Asn318=]GMNLG